The following is an entry in ClinVar:

NM_178452.6(DNAAF1):c.1241G>T (p.Gly414Val)

Gene: DNAAF1 (dynein axonemal assembly factor 1; plus strand). Cytogenetic location: 16q24.1.
Variant type: single nucleotide variant.
Coding change: c.1241G>T on transcript NM_178452.6 (MANE Select); coding-DNA position 1241, G replaced by T.
Protein change: p.Gly414Val; replaces glycine 414 with valine.
Molecular consequence: missense variant.
Genome position (GRCh38, 1-based): chr16:84,170,069, G>T. VCF-style: chr16-84170069-G-T. GRCh37 (hg19) VCF-style: chr16-84203675-G-T.
Other names: c.533G>T, p.Gly178Val (NM_001318756.1); short protein forms G178V, G414V.
Identifiers: ClinVar variation 956963 (VCV000956963.7), dbSNP rs142105097, ClinGen allele CA8202801.

ClinVar aggregate classification (germline): Uncertain significance. Review status: criteria provided, multiple submitters, no conflicts (2 of 4 stars). 2 submissions from 2 submitters: Uncertain significance (2). Last evaluated 2024-12-03.

Conditions:
Primary ciliary dyskinesia. Also called: Ciliary dyskinesia. Identifiers: Orphanet 244, MedGen C0008780, MONDO:0016575, HP:0012265.

Allele frequency attached by ClinVar (database versions not stated): ExAC 0.00008; gnomAD exomes 0.00008 and 0.00013; ESP Exome Variant Server 0.00015; gnomAD 0.00006 and 0.00007; TOPMed 0.00006.
gnomAD v4.1: 203 of 1,613,496 alleles (0.013%); highest among the groups gnomAD compares: Middle Eastern, 0.087%; no homozygotes.

Submissions (2):

Ambry Genetics
Classification: Uncertain significance for Primary ciliary dyskinesia. Last evaluated: 2024-12-03. Review status: criteria provided, single submitter. Criteria: Ambry Variant Classification Scheme 2023. Collection method: clinical testing. Allele origin: germline.

Labcorp Genetics (formerly Invitae), Labcorp
Classification: Uncertain significance for Primary ciliary dyskinesia. Last evaluated: 2022-02-02. Review status: criteria provided, single submitter. Criteria: Invitae Variant Classification Sherloc (09022015). Collection method: clinical testing. Allele origin: germline.
Comment: This sequence change replaces glycine, which is neutral and non-polar, with valine, which is neutral and non-polar, at codon 414 of the DNAAF1 protein (p.Gly414Val). This variant is present in population databases (rs142105097, gnomAD 0.02%). This variant has not been reported in the literature in individuals affected with DNAAF1-related conditions. ClinVar contains an entry for this variant (Variation ID: 956963). Algorithms developed to predict the effect of missense changes on protein structure and function output the following: SIFT: "Tolerated"; PolyPhen-2: "Benign"; Align-GVGD: "Class C0". The valine amino acid residue is found in multiple mammalian species, which suggests that this missense change does not adversely affect protein function. Algorithms developed to predict the effect of sequence changes on RNA splicing suggest that this variant may create or strengthen a splice site. In summary, the available evidence is currently insufficient to determine the role of this variant in disease. Therefore, it has been classified as a Variant of Uncertain Significance.